The following is an entry in ClinVar:

NM_002880.4(RAF1):c.909A>C (p.Thr303=)

Gene: RAF1 (Raf-1 proto-oncogene, serine/threonine kinase; minus strand). Cytogenetic location: 3p25.2.
Variant type: single nucleotide variant.
Coding change: c.909A>C on transcript NM_002880.4 (MANE Select); coding-DNA position 909, A replaced by C.
Protein change: p.Thr303=; no amino-acid change (threonine 303 retained).
Molecular consequence: synonymous variant. On other transcripts: non-coding transcript variant (3).
Genome position (GRCh38, 1-based): chr3:12,600,233, T>G on the plus strand (A>C on the coding strand, the complement: RAF1 is on the minus strand). VCF-style: chr3-12600233-T-G. GRCh37 (hg19) VCF-style: chr3-12641732-T-G.
Other names: p.T303T; NM_002880.3(RAF1):c.909A>C; c.969A>C, p.Thr323= (NM_001354689.3); c.909A>C, p.Thr303= (NM_001354690.3); c.666A>C, p.Thr222= (NM_001354691.3, NM_001354692.3); c.810A>C, p.Thr270= (NM_001354693.3); c.726A>C, p.Thr242= (NM_001354694.3); c.567A>C, p.Thr189= (NM_001354695.3).
Identifiers: ClinVar variation 40609 (VCV000040609.56), dbSNP rs5746219, ClinGen allele CA134759.

ClinVar aggregate classification (germline): Likely benign. Review status: reviewed by expert panel (3 of 4 stars). 15 submissions from 14 submitters: Likely benign (1). 14 of the submissions do not count toward it. Last evaluated 2017-04-18.

Conditions:
RAF1-related disorder. Also called: RAF1-related disorders; RAF1-related condition.
Noonan syndrome and Noonan-related syndrome. Identifiers: Orphanet 98733, MedGen C5681679, MONDO:0020297.
Cardiovascular phenotype. Identifiers: MedGen CN230736.
RASopathy. Also called: rasopathies; Noonan spectrum disorder. Identifiers: Orphanet 536391, MedGen C5555857, MONDO:0021060.
LEOPARD syndrome 2 (LPRD2). Also called: RAF1-Related LEOPARD Syndrome. Identifiers: Orphanet 500, MedGen C1969056, MONDO:0012691, OMIM 611554.
Noonan syndrome 5 (NS5). Also called: RAF1-Related Noonan Syndrome. Identifiers: Orphanet 648, MedGen C1969057, MONDO:0012690, OMIM 611553. Disease mechanism: gain of function.

Allele frequency attached by ClinVar (database versions not stated): ExAC 0.00030; TOPMed 0.00037; ESP Exome Variant Server 0.00023; gnomAD 0.00025.
gnomAD v4.1: 865 of 1,614,102 alleles (0.054%); highest among the groups gnomAD compares: Non-Finnish European, 0.066%; no homozygotes.

Submissions (15):

ClinGen RASopathy Variant Curation Expert Panel
Classification: Likely benign for Noonan syndrome and Noonan-related syndrome. Last evaluated: 2017-04-18. Review status: reviewed by expert panel. Criteria: ClinGen RASopathy ACMG Specifications v1. Collection method: curation. Allele origin: germline. Inheritance: Autosomal dominant inheritance.
Comment: The filtering allele frequency of the c.909A>C (p.Thr303=) variant in the RAF1 gene is 0.0285% (27/66658) of European chromosomes by the Exome Aggregation Consortium, which is a high enough frequency to be classified as likely benign based on thresholds defined by the ClinGen RASopathy Expert Panel (BS1; PMID:29493581)

Labcorp Genetics (formerly Invitae), Labcorp
Classification: Likely benign for RASopathy. Last evaluated: 2026-01-26. Review status: criteria provided, single submitter. Criteria: Invitae Variant Classification Sherloc (09022015). Collection method: clinical testing. Allele origin: germline. Not counted in ClinVar's aggregate classification.

Molecular Diagnostic Laboratory for Inherited Cardiovascular Disease, Montreal Heart Institute
Classification: Likely benign. Last evaluated: 2025-04-09. Review status: criteria provided, single submitter. Criteria: ACMG Guidelines, 2015. Collection method: clinical testing. Allele origin: germline. Affected: no. Not counted in ClinVar's aggregate classification.

Blueprint Genetics
Classification: Likely benign. Last evaluated: 2024-10-17. Review status: criteria provided, single submitter. Criteria: ACMG Guidelines, 2015. Collection method: clinical testing. Allele origin: germline. Not counted in ClinVar's aggregate classification.

CeGaT Center for Human Genetics Tuebingen
Classification: Likely benign. Last evaluated: 2024-02-01. Review status: criteria provided, single submitter. Criteria: CeGaT Center For Human Genetics Tuebingen Variant Classification Criteria Version 2. Collection method: clinical testing. Allele origin: germline. Affected: yes. Observed: 3 variant alleles. Not counted in ClinVar's aggregate classification.
Comment: RAF1: BP4, BP7

Genome Diagnostics Laboratory, The Hospital for Sick Children
Classification: Likely benign for Noonan syndrome and Noonan-related syndrome. Last evaluated: 2020-02-01. Review status: criteria provided, single submitter. Criteria: ACMG Guidelines, 2015. Collection method: clinical testing. Allele origin: germline. Not counted in ClinVar's aggregate classification.

Ambry Genetics
Classification: Likely benign for Cardiovascular phenotype. Last evaluated: 2018-06-29. Review status: criteria provided, single submitter. Criteria: Ambry Variant Classification Scheme 2023. Collection method: clinical testing. Allele origin: germline. Not counted in ClinVar's aggregate classification.

Illumina Laboratory Services, Illumina
Classification: Uncertain significance for Noonan syndrome 5. Last evaluated: 2018-01-13. Review status: criteria provided, single submitter. Criteria: ICSL Variant Classification Criteria 13 December 2019. Collection method: clinical testing. Allele origin: germline. Not counted in ClinVar's aggregate classification.

Illumina Laboratory Services, Illumina
Classification: Benign for LEOPARD syndrome 2. Last evaluated: 2018-01-13. Review status: criteria provided, single submitter. Criteria: ICSL Variant Classification Criteria 13 December 2019. Collection method: clinical testing. Allele origin: germline. Not counted in ClinVar's aggregate classification.
Comment: This variant was observed in the ICSL laboratory as part of a predisposition screen in an ostensibly healthy population. It had not been previously curated by ICSL or reported in the Human Gene Mutation Database (HGMD: prior to June 1st, 2018), and was therefore a candidate for classification through an automated scoring system. Utilizing variant allele frequency, disease prevalence and penetrance estimates, and inheritance mode, an automated score was calculated to assess if this variant is too frequent to cause the disease. Based on the score and internal cut-off values, a variant classified as benign is not then subjected to further curation. The score for this variant resulted in a classification of benign for this disease.

Women's Health and Genetics/Laboratory Corporation of America, LabCorp
Classification: Benign. Last evaluated: 2016-11-21. Review status: criteria provided, single submitter. Criteria: LabCorp Variant Classification Summary - May 2015. Collection method: clinical testing. Allele origin: germline. Not counted in ClinVar's aggregate classification.
Comment: Variant summary: The RAF1 c.909A>C (p.Thr303Thr) variant involves the alteration of a non-conserved nucleotide, resulting in a synonymous change. 4/5 splice prediction tools predict no significant impact on normal splicing. This variant was found in 36/121308 control chromosomes at a frequency of 0.0002968, which is approximately 12 times the estimated maximal expected allele frequency of a pathogenic RAF1 variant (0.000025), suggesting this variant is very likely a benign polymorphism. In addition, multiple clinical diagnostic laboratories/reputable databases classified this variant as likely benign. The variant of interest has not, to our knowledge, been reported in affected individuals via publications. Taken together, this variant is classified as Benign.

Laboratory for Molecular Medicine, Mass General Brigham Personalized Medicine
Classification: Likely benign. Last evaluated: 2015-06-09. Review status: criteria provided, single submitter. Criteria: LMM Criteria. Collection method: clinical testing. Allele origin: germline. Observed: 6 variant alleles. Not counted in ClinVar's aggregate classification.
Comment: p.Thr303Thr in exon 9 of RAF1: This variant is not expected to have clinical sig nificance because it does not alter an amino acid residue and is not located wit hin the splice consensus sequence. It has been identified in 27/66658 European c hromosomes and 8/16512 South Asian chromosomes by the Exome Aggregation Consorti um (ExAC; dbSNP rs5746219).

GeneDx
Classification: Benign. Last evaluated: 2015-03-03. Review status: criteria provided, single submitter. Criteria: GeneDx Variant Classification Process June 2021. Collection method: clinical testing. Allele origin: germline. Affected: yes. Not counted in ClinVar's aggregate classification.

PreventionGenetics, part of Exact Sciences
Classification: Likely benign for RAF1-related condition. Last evaluated: 2021-03-15. Review status: no assertion criteria provided. Collection method: clinical testing. Allele origin: germline. Not counted in ClinVar's aggregate classification.
Comment: This variant is classified as likely benign based on ACMG/AMP sequence variant interpretation guidelines (Richards et al. 2015 PMID: 25741868, with internal and published modifications).

Clinical Genetics DNA and cytogenetics Diagnostics Lab, Erasmus MC, Erasmus Medical Center
Classification: Likely benign. Review status: no assertion criteria provided. Collection method: clinical testing. Allele origin: germline. Affected: yes. Study: VKGL Data-share Consensus. Not counted in ClinVar's aggregate classification.

Joint Genome Diagnostic Labs from Nijmegen and Maastricht, Radboudumc and MUMC+
Classification: Likely benign. Review status: no assertion criteria provided. Collection method: clinical testing. Allele origin: germline. Affected: yes. Study: VKGL Data-share Consensus. Not counted in ClinVar's aggregate classification.